The following is an entry in ClinVar:

ClinVar aggregate classification (germline): Uncertain significance. Review status: criteria provided, multiple submitters, no conflicts (2 of 4 stars). 2 submissions from 2 submitters: Uncertain significance (2). Last evaluated 2026-01-14.

Conditions:
Inborn genetic diseases. Identifiers: MedGen C0950123, MeSH D030342.

Allele frequency attached by ClinVar (database versions not stated): TOPMed 0.00002.
gnomAD v4.1: 10 of 1,549,852 alleles (0.00065%); highest among the groups gnomAD compares: Middle Eastern, 0.083%; 1 homozygote.

Submissions (2):

Ambry Genetics
Classification: Uncertain significance for Inborn genetic diseases. Last evaluated: 2026-01-14. Review status: criteria provided, single submitter. Criteria: Ambry Variant Classification Scheme 2023. Collection method: clinical testing. Allele origin: germline.
Comment: The c.739C>A (p.R247S) alteration is located in exon 7 (coding exon 7) of the COMP gene. This alteration results from a C to A substitution at nucleotide position 739, causing the arginine (R) at amino acid position 247 to be replaced by a serine (S). Based on data from gnomAD, the A allele has an overall frequency of <0.001% (0/145722) total alleles studied. The highest observed frequency was <0.001% (/) of alleles. Based on insufficient or conflicting evidence, the clinical significance of this alteration remains unclear.

Labcorp Genetics (formerly Invitae), Labcorp
Classification: Uncertain significance. Last evaluated: 2023-10-03. Review status: criteria provided, single submitter. Criteria: Invitae Variant Classification Sherloc (09022015). Collection method: clinical testing. Allele origin: germline.
Comment: This sequence change replaces arginine, which is basic and polar, with serine, which is neutral and polar, at codon 247 of the COMP protein (p.Arg247Ser). This variant is not present in population databases (gnomAD no frequency). This variant has not been reported in the literature in individuals affected with COMP-related conditions. Advanced modeling of protein sequence and biophysical properties (such as structural, functional, and spatial information, amino acid conservation, physicochemical variation, residue mobility, and thermodynamic stability) has been performed at Invitae for this missense variant, however the output from this modeling did not meet the statistical confidence thresholds required to predict the impact of this variant on COMP protein function. In summary, the available evidence is currently insufficient to determine the role of this variant in disease. Therefore, it has been classified as a Variant of Uncertain Significance.

NM_000095.3(COMP):c.739C>A (p.Arg247Ser)

Gene: COMP (cartilage oligomeric matrix protein; minus strand). Cytogenetic location: 19p13.11.
Variant type: single nucleotide variant.
Coding change: c.739C>A on transcript NM_000095.3 (MANE Select); coding-DNA position 739, C replaced by A.
Protein change: p.Arg247Ser; replaces arginine 247 with serine.
Molecular consequence: missense variant.
Genome position (GRCh38, 1-based): chr19:18,788,615, G>T on the plus strand (C>A on the coding strand, the complement: COMP is on the minus strand). VCF-style: chr19-18788615-G-T. GRCh37 (hg19) VCF-style: chr19-18899424-G-T.
Other names: c.739C>A (NM_000095.2); short protein forms R247S.
Identifiers: ClinVar variation 2956892 (VCV002956892.4), dbSNP rs537695502, ClinGen allele CA306258031.